The following is an entry in ClinVar:

NM_002661.5(PLCG2):c.1774A>G (p.Met592Val)

Gene: PLCG2 (phospholipase C gamma 2; plus strand). Cytogenetic location: 16q23.3.
Variant type: single nucleotide variant.
Coding change: c.1774A>G on transcript NM_002661.5 (MANE Select); coding-DNA position 1774, A replaced by G.
Protein change: p.Met592Val; replaces methionine 592 with valine.
Molecular consequence: missense variant.
Genome position (GRCh38, 1-based): chr16:81,910,560, A>G. VCF-style: chr16-81910560-A-G. GRCh37 (hg19) VCF-style: chr16-81944165-A-G.
Other names: c.1774A>G, p.Met592Val (NM_001425749.1, NM_001425750.1, NM_001425751.1); short protein forms M592V.
Identifiers: ClinVar variation 3669812 (VCV003669812.2).
Genomic context (GRCh38, chr16:81,910,560, plus strand): 5'-ATGGCGTCCTCTCCCCGCAGGCGGTCAGGCCGGGTCCAGCACTGCCGGATCCGCTCCACC[A>G]TGGAGGGCGGGACCCTGAAATACTACTTGACTGACAACCTCACCTTCAGCAGCATCTATG-3'
Protein context (NP_002652.2, residues 582-602): RVQHCRIRST[Met592Val]EGGTLKYYLT

ClinVar aggregate classification (germline): Uncertain significance (1 of 4 stars; one submission).

Conditions:
Familial cold autoinflammatory syndrome 3 (FCAS3). Also called: FAMILIAL ATYPICAL COLD URTICARIA; ANTIBODY DEFICIENCY AND IMMUNE DYSREGULATION, PLCG2-ASSOCIATED. Identifiers: Orphanet 300359, MedGen C3280914, MONDO:0013766, OMIM 614468.

gnomAD v4.1: 34 of 1,614,092 alleles (0.0021%); highest among the groups gnomAD compares: Non-Finnish European, 0.0028%; no homozygotes.

Submission:

Labcorp Genetics (formerly Invitae), Labcorp
Classification: Uncertain significance for Familial cold autoinflammatory syndrome 3. Last evaluated: 2026-01-12. Review status: criteria provided, single submitter. Criteria: Invitae Variant Classification Sherloc (09022015). Collection method: clinical testing. Allele origin: germline.
Comment: This sequence change replaces methionine, which is neutral and non-polar, with valine, which is neutral and non-polar, at codon 592 of the PLCG2 protein (p.Met592Val). This variant is present in population databases (no rsID available, gnomAD 0.003%). This variant has not been reported in the literature in individuals affected with PLCG2-related conditions. ClinVar contains an entry for this variant (Variation ID: 3669812). An algorithm developed to predict the effect of missense changes on protein structure and function outputs the following: PolyPhen-2: "Benign". The valine amino acid residue is found in multiple mammalian species, which suggests that this missense change does not adversely affect protein function. In summary, the available evidence is currently insufficient to determine the role of this variant in disease. Therefore, it has been classified as a Variant of Uncertain Significance.